The following is an entry in ClinVar:

ClinVar aggregate classification (germline): Uncertain significance. Review status: criteria provided, multiple submitters, no conflicts (2 of 4 stars). 2 submissions from 2 submitters: Uncertain significance (2). Last evaluated 2021-09-18.

Conditions:
MASS syndrome (OCTD). Also called: OVERLAP CONNECTIVE TISSUE DISEASE; MASS PHENOTYPE. Identifiers: MedGen C1858556, MONDO:0011431, OMIM 604308.
Progeroid and marfanoid aspect-lipodystrophy syndrome. Also called: MARFANOID-PROGEROID SYNDROME; MARFAN-PROGEROID-LIPODYSTROPHY SYNDROME; Marfan lipodystrophy syndrome; MARFANOID-PROGEROID-LIPODYSTROPHY SYNDROME. Identifiers: Orphanet 300382, MedGen C4310796, MONDO:0014831, OMIM 616914.
Ectopia lentis 1, isolated, autosomal dominant (ECTOL1). Identifiers: Orphanet 1885, MedGen C3541518, MONDO:0007514, OMIM 129600.
Weill-Marchesani syndrome 2, dominant. Also called: Weill-Marchesani Syndrome, Autosomal Dominant; FBN1-Related Weill-Marchesani Syndrome. Identifiers: Orphanet 2084, MedGen C1869115, MONDO:0012013, OMIM 608328.
Acromicric dysplasia (ACMICD). Also called: Acromicric skeletal dysplasia. Identifiers: Orphanet 969, MedGen C0265287, MONDO:0007055, OMIM 102370.
Geleophysic dysplasia 2 (GPHYSD2). Identifiers: Orphanet 2623, MedGen C3280054, MONDO:0013612, OMIM 614185.
Stiff skin syndrome (SSKS). Identifiers: Orphanet 2833, MedGen C1861456, MONDO:0008492, OMIM 184900.
Marfan syndrome (MFS). Also called: Marfan syndrome type 1; Marfan syndrome, classic; Marfan's syndrome; FBN1-Related Marfan Syndrome; MARFAN SYNDROME, TYPE I. Identifiers: Orphanet 284963, Orphanet 558, MedGen C0024796, MONDO:0007947, OMIM 154700.
Familial thoracic aortic aneurysm and aortic dissection (TAAD). Also called: Thoracic aortic aneurysms and dissections. Identifiers: Orphanet 91387, MedGen C4707243, MONDO:0019625.

gnomAD v4.1: 3 of 1,614,100 alleles (0.00019%); highest among the groups gnomAD compares: Non-Finnish European, 0.00025%; no homozygotes.

Submissions (2):

Fulgent Genetics
Classification: Uncertain significance for Acromicric dysplasia; Ectopia lentis 1, isolated, autosomal dominant; Marfan syndrome; Stiff skin syndrome; MASS syndrome; Weill-Marchesani syndrome 2, dominant; Geleophysic dysplasia 2; Progeroid and marfanoid aspect-lipodystrophy syndrome. Last evaluated: 2021-09-18. Review status: criteria provided, single submitter. Criteria: ACMG Guidelines, 2015. Collection method: clinical testing. Allele origin: unknown.

Labcorp Genetics (formerly Invitae), Labcorp
Classification: Uncertain significance for Marfan syndrome; Familial thoracic aortic aneurysm and aortic dissection. Last evaluated: 2021-08-24. Review status: criteria provided, single submitter. Criteria: Invitae Variant Classification Sherloc (09022015). Collection method: clinical testing. Allele origin: germline.
Comment: This sequence change replaces aspartic acid with glycine at codon 2320 of the FBN1 protein (p.Asp2320Gly). The aspartic acid residue is moderately conserved and there is a moderate physicochemical difference between aspartic acid and glycine. This variant is not present in population databases (ExAC no frequency). This variant has not been reported in the literature in individuals affected with FBN1-related conditions. Algorithms developed to predict the effect of missense changes on protein structure and function are either unavailable or do not agree on the potential impact of this missense change (SIFT: "Deleterious"; PolyPhen-2: "Possibly Damaging"; Align-GVGD: "Class C0"). Algorithms developed to predict the effect of sequence changes on RNA splicing suggest that this variant may create or strengthen a splice site. In summary, the available evidence is currently insufficient to determine the role of this variant in disease. Therefore, it has been classified as a Variant of Uncertain Significance.

NM_000138.5(FBN1):c.6959A>G (p.Asp2320Gly)

Gene: FBN1 (fibrillin 1; minus strand). Cytogenetic location: 15q21.1.
Variant type: single nucleotide variant.
Coding change: c.6959A>G on transcript NM_000138.5 (MANE Select); coding-DNA position 6959, A replaced by G.
Protein change: p.Asp2320Gly; replaces aspartic acid 2320 with glycine.
Molecular consequence: missense variant.
Genome position (GRCh38, 1-based): chr15:48,428,384, T>C on the plus strand (A>G on the coding strand, the complement: FBN1 is on the minus strand). VCF-style: chr15-48428384-T-C. GRCh37 (hg19) VCF-style: chr15-48720581-T-C.
Other names: short protein forms D2320G.
Identifiers: ClinVar variation 527165 (VCV000527165.7), dbSNP rs794728261, ClinGen allele CA392330570.